The following is an entry in ClinVar:

NM_001368397.1(FRMPD4):c.3245A>G (p.Glu1082Gly)

Gene: FRMPD4 (FERM and PDZ domain containing 4; plus strand). Cytogenetic location: Xp22.2.
Variant type: single nucleotide variant.
Coding change: c.3245A>G on transcript NM_001368397.1 (MANE Select); coding-DNA position 3245, A replaced by G.
Protein change: p.Glu1082Gly; replaces glutamic acid 1082 with glycine.
Molecular consequence: missense variant.
Genome position (GRCh38, 1-based): chrX:12,718,071, A>G. VCF-style: chrX-12718071-A-G. GRCh37 (hg19) VCF-style: chrX-12736190-A-G.
Other names: c.3356A>G, p.Glu1119Gly (NM_001368395.3, NM_001368398.3); c.3251A>G, p.Glu1084Gly (NM_001368396.3); c.3236A>G, p.Glu1079Gly (NM_001368399.3); c.3125A>G, p.Glu1042Gly (NM_001368400.3); c.3221A>G, p.Glu1074Gly (NM_001368401.1, NM_001368402.3); c.3245A>G, p.Glu1082Gly (NM_014728.3); short protein forms E1042G, E1074G, E1079G, E1082G, E1084G, E1119G.
Identifiers: ClinVar variation 3602278 (VCV003602278.1).

ClinVar aggregate classification (germline): Uncertain significance (1 of 4 stars; one submission).

Submission:

GeneDx
Classification: Uncertain significance. Last evaluated: 2024-08-01. Review status: criteria provided, single submitter. Criteria: GeneDx Variant Classification Process June 2021. Collection method: clinical testing. Allele origin: germline. Affected: yes.
Comment: Not observed at significant frequency in large population cohorts (gnomAD); In silico analysis indicates that this missense variant does not alter protein structure/function; Has not been previously published as pathogenic or benign to our knowledge